The following is an entry in ClinVar:

ClinVar aggregate classification (germline): Likely benign (1 of 4 stars; one submission).

gnomAD v4.1: 1 of 1,411,794 alleles (0.000071%); no homozygotes.

Submission:

GeneDx
Classification: Likely benign. Last evaluated: 2016-08-03. Review status: criteria provided, single submitter. Criteria: GeneDx Variant Classification (06012015). Collection method: clinical testing. Allele origin: germline. Affected: yes.
Comment: This variant is considered likely benign or benign based on one or more of the following criteria: it is a conservative change, it occurs at a poorly conserved position in the protein, it is predicted to be benign by multiple in silico algorithms, and/or has population frequency not consistent with disease.

NM_004092.4(ECHS1):c.88+16G>C

Genes: ECHS1 (enoyl-CoA hydratase, short chain 1; minus strand), LOC130005023 (ATAC-STARR-seq lymphoblastoid silent region 2977; plus strand). Cytogenetic location: 10q26.3.
Variant type: single nucleotide variant.
Coding change: c.88+16G>C on transcript NM_004092.4 (MANE Select); 16 bases into the intron after coding-DNA position 88, G replaced by C.
Molecular consequence: intron variant.
Genome position (GRCh38, 1-based): chr10:133,373,230, C>G on the plus strand (G>C on the coding strand, the complement: ECHS1 is on the minus strand). VCF-style: chr10-133373230-C-G. GRCh37 (hg19) VCF-style: chr10-135186734-C-G.
Identifiers: ClinVar variation 387961 (VCV000387961.1), dbSNP rs1057522965, ClinGen allele CA16605844.